The following is an entry in ClinVar:

NM_006017.3(PROM1):c.1897A>G (p.Ser633Gly)

Gene: PROM1 (prominin 1; minus strand). Cytogenetic location: 4p15.32.
Variant type: single nucleotide variant.
Coding change: c.1897A>G on transcript NM_006017.3 (MANE Select); coding-DNA position 1897, A replaced by G.
Protein change: p.Ser633Gly; replaces serine 633 with glycine.
Molecular consequence: missense variant.
Genome position (GRCh38, 1-based): chr4:15,992,262, T>C on the plus strand (A>G on the coding strand, the complement: PROM1 is on the minus strand). VCF-style: chr4-15992262-T-C. GRCh37 (hg19) VCF-style: chr4-15993885-T-C.
Other names: c.1870A>G, p.Ser624Gly (NM_001145847.2, NM_001145848.2, NM_001145851.2 and 4 more transcripts); c.1897A>G, p.Ser633Gly (NM_001145849.2, NM_001145850.2); short protein forms S624G, S633G.
Identifiers: ClinVar variation 3365230 (VCV003365230.1).

ClinVar aggregate classification (germline): Uncertain significance (1 of 4 stars; one submission).

gnomAD v4.1: 9 of 1,613,908 alleles (0.00056%); highest among the groups gnomAD compares: Non-Finnish European, 0.00068%; no homozygotes.

Submission:

GeneDx
Classification: Uncertain significance. Last evaluated: 2023-12-04. Review status: criteria provided, single submitter. Criteria: GeneDx Variant Classification Process June 2021. Collection method: clinical testing. Allele origin: germline. Affected: yes.
Comment: In silico analysis supports that this missense variant does not alter protein structure/function; Has not been previously published as pathogenic or benign to our knowledge